The following is an entry in ClinVar:

ClinVar aggregate classification (germline): Uncertain significance (1 of 4 stars; one submission).

Conditions:
Familial thoracic aortic aneurysm and aortic dissection (TAAD). Also called: Thoracic aortic aneurysms and dissections. Identifiers: Orphanet 91387, MedGen C4707243, MONDO:0019625.

gnomAD v4.1: 14 of 1,613,970 alleles (0.00087%); highest among the groups gnomAD compares: South Asian, 0.012%; no homozygotes.

Submission:

Ambry Genetics
Classification: Uncertain significance for Familial thoracic aortic aneurysm and aortic dissection. Last evaluated: 2025-05-02. Review status: criteria provided, single submitter. Criteria: Ambry Variant Classification Scheme 2023. Collection method: clinical testing. Allele origin: germline.
Comment: The p.E369G variant (also known as c.1106A>G), located in coding exon 7 of the MYLK gene, results from an A to G substitution at nucleotide position 1106. The glutamic acid at codon 369 is replaced by glycine, an amino acid with similar properties. This amino acid position is conserved. In addition, this alteration is predicted to be tolerated by in silico analysis. Based on the available evidence, the clinical significance of this variant remains unclear.

NM_053025.4(MYLK):c.1106A>G (p.Glu369Gly)

Gene: MYLK (myosin light chain kinase; minus strand). Cytogenetic location: 3q21.1.
Variant type: single nucleotide variant.
Coding change: c.1106A>G on transcript NM_053025.4 (MANE Select); coding-DNA position 1106, A replaced by G.
Protein change: p.Glu369Gly; replaces glutamic acid 369 with glycine.
Molecular consequence: missense variant.
Genome position (GRCh38, 1-based): chr3:123,733,890, T>C on the plus strand (A>G on the coding strand, the complement: MYLK is on the minus strand). VCF-style: chr3-123733890-T-C. GRCh37 (hg19) VCF-style: chr3-123452737-T-C.
Other names: c.578A>G, p.Glu193Gly (NM_001321309.2); c.1106A>G, p.Glu369Gly (NM_053026.4, NM_053027.4, NM_053028.4); short protein forms E193G, E369G.
Identifiers: ClinVar variation 3915765 (VCV003915765.1).